The following is an entry in ClinVar:

NM_005480.4(TROAP):c.1525T>A (p.Cys509Ser)

Gene: TROAP (trophinin associated protein; plus strand). Cytogenetic location: 12q13.12.
Variant type: single nucleotide variant.
Coding change: c.1525T>A on transcript NM_005480.4 (MANE Select); coding-DNA position 1525, T replaced by A.
Protein change: p.Cys509Ser; replaces cysteine 509 with serine.
Molecular consequence: missense variant.
Genome position (GRCh38, 1-based): chr12:49,330,370, T>A. VCF-style: chr12-49330370-T-A. GRCh37 (hg19) VCF-style: chr12-49724153-T-A.
Other names: c.1525T>A, p.Cys509Ser (NM_001410976.1); short protein forms C509S.
Identifiers: ClinVar variation 3024896 (VCV003024896.22), dbSNP rs143183472, ClinGen allele CA6551673.
Genomic context (GRCh38, chr12:49,330,370, plus strand): 5'-TCCCACCTTCCTGGACTGTTAAAACACTCAGGGCTGCCAAAGCCCTGTCTTCCAGAGGAG[T>A]GCGGGGAACCACAGCCCTGCCCTCCGGCAGAGCCTGGGCCCCCAGAGGCCTTCTGTAGGA-3'
Protein context (NP_005471.3, residues 499-519): GLPKPCLPEE[Cys509Ser]GEPQPCPPAE

ClinVar aggregate classification (germline): Likely benign (1 of 4 stars; one submission).

Allele frequency attached by ClinVar (database versions not stated): 1000 Genomes Project 30x 0.00203; 1000 Genomes Project 0.00220; TOPMed 0.00423; gnomAD 0.00464; ESP Exome Variant Server 0.00492; gnomAD exomes 0.00645; ExAC 0.00655.
gnomAD v4.1: 10,121 of 1,614,068 alleles (0.63%); highest among the groups gnomAD compares: Non-Finnish European, 0.7%; 57 homozygotes.

Submission:

CeGaT Center for Human Genetics Tuebingen
Classification: Likely benign. Last evaluated: 2024-01-01. Review status: criteria provided, single submitter. Criteria: CeGaT Center For Human Genetics Tuebingen Variant Classification Criteria Version 2. Collection method: clinical testing. Allele origin: germline. Affected: yes. Observed: 1 variant allele.
Comment: TROAP: BP4, BS2